The following is an entry in ClinVar:

ClinVar aggregate classification (germline): Uncertain significance (1 of 4 stars; one submission).

Submission:

GeneDx
Classification: Uncertain significance. Last evaluated: 2022-06-27. Review status: criteria provided, single submitter. Criteria: GeneDx Variant Classification Process June 2021. Collection method: clinical testing. Allele origin: germline. Affected: yes.
Comment: Not observed in large population cohorts (gnomAD); In-silico analysis is inconclusive as to whether the variant alters gene splicing. In the absence of RNA/functional studies, the actual effect of this sequence change is unknown.; Has not been previously published as pathogenic or benign to our knowledge

NM_000088.4(COL1A1):c.1002+6T>G

Gene: COL1A1 (collagen type I alpha 1 chain; minus strand). Cytogenetic location: 17q21.33.
Variant type: single nucleotide variant.
Coding change: c.1002+6T>G on transcript NM_000088.4 (MANE Select); 6 bases into the intron after coding-DNA position 1002, T replaced by G.
Molecular consequence: intron variant.
Genome position (GRCh38, 1-based): chr17:50,196,149, A>C on the plus strand (T>G on the coding strand, the complement: COL1A1 is on the minus strand). VCF-style: chr17-50196149-A-C. GRCh37 (hg19) VCF-style: chr17-48273510-A-C.
Identifiers: ClinVar variation 1693362 (VCV001693362.2), dbSNP rs2144579702, ClinGen allele CA2580094149.